The following is an entry in ClinVar:

ClinVar aggregate classification (germline): Likely benign. Review status: criteria provided, multiple submitters, no conflicts (2 of 4 stars). 2 submissions from 2 submitters: Likely benign (2). Last evaluated 2018-06-14.

Allele frequency attached by ClinVar (database versions not stated): gnomAD exomes 0.00516.

Submissions (2):

GeneDx
Classification: Likely benign. Last evaluated: 2018-06-14. Review status: criteria provided, single submitter. Criteria: GeneDx Variant Classification (06012015). Collection method: clinical testing. Allele origin: germline. Affected: yes.
Comment: This variant is considered likely benign or benign based on one or more of the following criteria: it is a conservative change, it occurs at a poorly conserved position in the protein, it is predicted to be benign by multiple in silico algorithms, and/or has population frequency not consistent with disease.

Breakthrough Genomics
Classification: Likely benign. Review status: criteria provided, single submitter. Criteria: ACMG Guidelines, 2015. Collection method: not provided. Allele origin: germline. Inheritance: Autosomal recessive inheritance. Affected: yes.

NM_000302.4(PLOD1):c.1328+27T>G

Gene: PLOD1 (procollagen-lysine,2-oxoglutarate 5-dioxygenase 1; plus strand). Cytogenetic location: 1p36.22.
Variant type: single nucleotide variant.
Coding change: c.1328+27T>G on transcript NM_000302.4 (MANE Select); 27 bases into the intron after coding-DNA position 1328, T replaced by G.
Molecular consequence: intron variant.
Genome position (GRCh38, 1-based): chr1:11,964,327, T>G. VCF-style: chr1-11964327-T-G. GRCh37 (hg19) VCF-style: chr1-12024384-T-G.
Other names: c.1469+27T>G (NM_001316320.2).
Identifiers: ClinVar variation 672512 (VCV000672512.2), dbSNP rs1338646628, ClinGen allele CA521201481.